The following is an entry in ClinVar:

ClinVar aggregate classification (germline): Uncertain significance (1 of 4 stars; one submission).

Submission:

CeGaT Center for Human Genetics Tuebingen
Classification: Uncertain significance. Last evaluated: 2024-02-01. Review status: criteria provided, single submitter. Criteria: CeGaT Center For Human Genetics Tuebingen Variant Classification Criteria Version 2. Collection method: clinical testing. Allele origin: germline. Affected: yes. Observed: 2 variant alleles.
Comment: LOX: PM2, PVS1:Moderate

NM_002317.7(LOX):c.1224T>G (p.Tyr408Ter)

Genes: LOX (lysyl oxidase; minus strand), SRFBP1 (serum response factor binding protein 1; plus strand). Cytogenetic location: 5q23.1.
Variant type: single nucleotide variant.
Coding change: c.1224T>G on transcript NM_002317.7 (MANE Select); coding-DNA position 1224, T replaced by G.
Protein change: p.Tyr408Ter; replaces tyrosine 408 with a stop codon.
Molecular consequence: nonsense.
Genome position (GRCh38, 1-based): chr5:122,070,076, A>C on the plus strand (T>G on the coding strand, the complement: LOX is on the minus strand). VCF-style: chr5-122070076-A-C. GRCh37 (hg19) VCF-style: chr5-121405771-A-C.
Other names: c.534T>G, p.Tyr178Ter (NM_001178102.2); c.333T>G, p.Tyr111Ter (NM_001317073.1); short protein forms Y111*, Y178*, Y408*.
Identifiers: ClinVar variation 2673022 (VCV002673022.23), dbSNP rs1197967023, ClinGen allele CA360880163.